The following is an entry in ClinVar:

ClinVar aggregate classification (germline): Likely pathogenic (1 of 4 stars; one submission).

Conditions:
Deficiency of acetyl-CoA acetyltransferase. Also called: 3-KETOTHIOLASE DEFICIENCY; 3-OXOTHIOLASE DEFICIENCY; Beta-ketothiolase deficiency; MITOCHONDRIAL ACETOACETYL-CoA THIOLASE DEFICIENCY. Identifiers: Orphanet 134, MedGen C1536500, MONDO:0008760, OMIM 203750. Disease mechanism: loss of function.

Submission:

Natera, Inc.
Classification: Likely pathogenic for Alpha-methylacetoacetic aciduria. Last evaluated: 2025-04-11. Review status: criteria provided, single submitter. Criteria: Natera Variant Classification Schema (03/2026). Collection method: clinical testing. Allele origin: germline.
Comment: The c.1A>T variant in ACAT1 is predicted to result in start loss due to disruption of the initiator methionine. This variant is expected to result in nonsense mediated decay, truncation, or a dysfunctional protein product. This variant is rare in the general population with a frequency below the threshold expected for the associated phenotype(s). Given the available evidence, this variant is classified as Likely Pathogenic.

NM_000019.4(ACAT1):c.1A>T (p.Met1Leu)

Gene: ACAT1 (acetyl-CoA acetyltransferase 1; plus strand). Cytogenetic location: 11q22.3.
Variant type: single nucleotide variant.
Coding change: c.1A>T on transcript NM_000019.4 (MANE Select); coding-DNA position 1, A replaced by T.
Protein change: p.Met1Leu; changes the start codon (methionine 1).
Molecular consequence: missense variant, initiator codon variant. On other transcripts: 5 prime UTR variant (3), non-coding transcript variant (2), intron variant (2).
Genome position (GRCh38, 1-based): chr11:108,121,607, A>T. VCF-style: chr11-108121607-A-T. GRCh37 (hg19) VCF-style: chr11-107992334-A-T.
Other names: c.1A>T, p.Met1Leu (NM_001386677.1, NM_001386678.1); c.-277A>T (NM_001386679.1); c.-364A>T (NM_001386685.1); c.-369A>T (NM_001386686.1); c.-416+4705A>T (NM_001386682.1); c.-199+4705A>T (NM_001386681.1); short protein forms M1L.
Identifiers: ClinVar variation 4817556 (VCV004817556.1).